The following is an entry in ClinVar:

ClinVar aggregate classification (germline): Uncertain significance. Review status: criteria provided, multiple submitters, no conflicts (2 of 4 stars). 3 submissions from 3 submitters: Uncertain significance (2). 1 of the submissions does not count toward it. Last evaluated 2025-09-24.

Conditions:
Inborn genetic diseases. Identifiers: MedGen C0950123, MeSH D030342.
Hydrocephalus, nonsyndromic, autosomal recessive 2. Also called: Hydrocephalus, congenital, 2, with or without brain or eye anomalies. Identifiers: Orphanet 2185, MedGen C3554691, MONDO:0014085, OMIM 615219.

Allele frequency attached by ClinVar (database versions not stated): gnomAD exomes below 0.00001; gnomAD 0.00001; TOPMed 0.00005; ESP Exome Variant Server 0.00008.
gnomAD v4.1: 3 of 1,566,674 alleles (0.00019%); highest among the groups gnomAD compares: Middle Eastern, 0.017%; no homozygotes.

Submissions (3):

Labcorp Genetics (formerly Invitae), Labcorp
Classification: Uncertain significance. Last evaluated: 2025-09-24. Review status: criteria provided, single submitter. Criteria: Invitae Variant Classification Sherloc (09022015). Collection method: clinical testing. Allele origin: germline.
Comment: This sequence change replaces histidine, which is basic and polar, with tyrosine, which is neutral and polar, at codon 658 of the MPDZ protein (p.His658Tyr). This variant is present in population databases (rs368581522, gnomAD 0.003%). This variant has not been reported in the literature in individuals affected with MPDZ-related conditions. ClinVar contains an entry for this variant (Variation ID: 829930). An algorithm developed to predict the effect of missense changes on protein structure and function (PolyPhen-2) suggests that this variant is likely to be disruptive. In summary, the available evidence is currently insufficient to determine the role of this variant in disease. Therefore, it has been classified as a Variant of Uncertain Significance.

Ambry Genetics
Classification: Uncertain significance for Inborn genetic diseases. Last evaluated: 2022-06-24. Review status: criteria provided, single submitter. Criteria: Ambry Variant Classification Scheme 2023. Collection method: clinical testing. Allele origin: germline.

Bioscientia Institut fuer Medizinische Diagnostik GmbH, Sonic Healthcare
Classification: Likely pathogenic for Hydrocephalus, nonsyndromic, autosomal recessive 2. Last evaluated: 2019-03-14. Review status: no assertion criteria provided. Collection method: clinical testing. Allele origin: germline. Affected: yes. Not counted in ClinVar's aggregate classification.

NM_001378778.1(MPDZ):c.1972C>T (p.His658Tyr)

Gene: MPDZ (multiple PDZ domain crumbs cell polarity complex component; minus strand). Cytogenetic location: 9p23.
Variant type: single nucleotide variant.
Coding change: c.1972C>T on transcript NM_001378778.1 (MANE Select); coding-DNA position 1972, C replaced by T.
Protein change: p.His658Tyr; replaces histidine 658 with tyrosine.
Molecular consequence: missense variant.
Genome position (GRCh38, 1-based): chr9:13,190,296, G>A on the plus strand (C>T on the coding strand, the complement: MPDZ is on the minus strand). VCF-style: chr9-13190296-G-A. GRCh37 (hg19) VCF-style: chr9-13190295-G-A.
Other names: c.1972C>T, p.His658Tyr (NM_001261406.2, NM_001261407.2, NM_001330637.2 and 14 more transcripts); c.1972C>T (NM_003829.3); short protein forms H658Y.
Identifiers: ClinVar variation 829930 (VCV000829930.7), dbSNP rs368581522, ClinGen allele CA189285519.